The following is an entry in ClinVar:

ClinVar aggregate classification (germline): Uncertain significance. Review status: criteria provided, multiple submitters, no conflicts (2 of 4 stars). 2 submissions from 2 submitters: Uncertain significance (2). Last evaluated 2021-11-29.

Conditions:
Nephronophthisis. Also called: Juvenile Nephronophthisis. Identifiers: Orphanet 655, MedGen C0687120, MONDO:0019005, HP:0000090.
NPHP3-related Meckel-like syndrome. Also called: GOLDSTON SYNDROME; Meckel syndrome type 7. Identifiers: Orphanet 3032, MedGen C2673885, MONDO:0009966, OMIM 267010.
Renal-hepatic-pancreatic dysplasia 1 (RHPD1). Identifiers: MedGen C3715199, MONDO:0008833, OMIM 208540.
Nephronophthisis 3 (NPHP3). Also called: Adolescent nephronophthisis. Identifiers: Orphanet 655, MedGen C1858392, MONDO:0011456, OMIM 604387.

Allele frequency attached by ClinVar (database versions not stated): gnomAD 0.00001; gnomAD exomes 0.00001; TOPMed 0.00001.
gnomAD v4.1: 10 of 1,613,112 alleles (0.00062%); highest among the groups gnomAD compares: Non-Finnish European, 0.00085%; no homozygotes.

Submissions (2):

Fulgent Genetics
Classification: Uncertain significance for Renal-hepatic-pancreatic dysplasia 1; NPHP3-related Meckel-like syndrome; Nephronophthisis 3. Last evaluated: 2021-11-29. Review status: criteria provided, single submitter. Criteria: ACMG Guidelines, 2015. Collection method: clinical testing. Allele origin: unknown.

Labcorp Genetics (formerly Invitae), Labcorp
Classification: Uncertain significance for Nephronophthisis. Last evaluated: 2020-09-12. Review status: criteria provided, single submitter. Criteria: Invitae Variant Classification Sherloc (09022015). Collection method: clinical testing. Allele origin: germline.
Comment: In summary, the available evidence is currently insufficient to determine the role of this variant in disease. Therefore, it has been classified as a Variant of Uncertain Significance. Algorithms developed to predict the effect of missense changes on protein structure and function are either unavailable or do not agree on the potential impact of this missense change (SIFT: "Deleterious"; PolyPhen-2: "Probably Damaging"; Align-GVGD: "Class C0"). This variant has not been reported in the literature in individuals with NPHP3-related conditions. This variant is not present in population databases (ExAC no frequency). This sequence change replaces glutamic acid with lysine at codon 116 of the NPHP3 protein (p.Glu116Lys). The glutamic acid residue is moderately conserved and there is a small physicochemical difference between glutamic acid and lysine.

NM_153240.5(NPHP3):c.346G>A (p.Glu116Lys)

Genes: NPHP3-ACAD11 (NPHP3-ACAD11 readthrough (NMD candidate); minus strand), NPHP3 (nephrocystin 3; minus strand), NPHP3-AS1 (NPHP3 antisense RNA 1; plus strand). Cytogenetic location: 3q22.1.
Variant type: single nucleotide variant.
Coding change: c.346G>A on transcript NM_153240.5 (MANE Select); coding-DNA position 346, G replaced by A.
Protein change: p.Glu116Lys; replaces glutamic acid 116 with lysine.
Molecular consequence: missense variant. On other transcripts: non-coding transcript variant (3).
Genome position (GRCh38, 1-based): chr3:132,722,010, C>T on the plus strand (G>A on the coding strand, the complement: NPHP3 is on the minus strand). VCF-style: chr3-132722010-C-T. GRCh37 (hg19) VCF-style: chr3-132440854-C-T.
Other names: short protein forms E116K.
Identifiers: ClinVar variation 1046540 (VCV001046540.9), dbSNP rs1188632308, ClinGen allele CA354588883.